The following is an entry in ClinVar:

NM_000824.5(GLRB):c.24del (p.Phe9_Leu10insTer)

Gene: GLRB (glycine receptor beta; plus strand). Cytogenetic location: 4q32.1.
Variant type: Deletion.
Coding change: c.24del on transcript NM_000824.5 (MANE Select); coding-DNA position 24, one base deleted (C; older notation c.24delC).
Protein change: p.Phe9_Leu10insTer.
Molecular consequence: frameshift variant.
Genome position (GRCh38, 1-based): chr4:157,078,048, C deleted; the last of 2 consecutive C bases (chr4:157,078,047-157,078,048); deleting either gives the same sequence. VCF-style (leftmost placement, unchanged base first): chr4-157078046-GC-G. GRCh37 (hg19) VCF-style: chr4-157999198-GC-G.
Other names: c.24del, p.Phe9_Leu10insTer (NM_001166060.2, NM_001166061.2).
Identifiers: ClinVar variation 653331 (VCV000653331.6), dbSNP rs1380139789, ClinGen allele CA789596800.

ClinVar aggregate classification (germline): Pathogenic (1 of 4 stars; one submission).

Conditions:
Hyperekplexia 2 (HKPX2). Identifiers: Orphanet 3197, MedGen C3553291, MONDO:0013828, OMIM 614619.

Submission:

Labcorp Genetics (formerly Invitae), Labcorp
Classification: Pathogenic for Hyperekplexia 2. Last evaluated: 2024-01-28. Review status: criteria provided, single submitter. Criteria: Invitae Variant Classification Sherloc (09022015). Collection method: clinical testing. Allele origin: germline.
Comment: This sequence change creates a premature translational stop signal (p.Leu10*) in the GLRB gene. It is expected to result in an absent or disrupted protein product. Loss-of-function variants in GLRB are known to be pathogenic (PMID: 23182654, 23184146). This variant is not present in population databases (gnomAD no frequency). This variant has not been reported in the literature in individuals affected with GLRB-related conditions. ClinVar contains an entry for this variant (Variation ID: 653331). For these reasons, this variant has been classified as Pathogenic.

Literature cited by the submitters: PubMed 23182654; PubMed 23184146.